The following is an entry in ClinVar:

ClinVar aggregate classification (germline): Uncertain significance. Review status: criteria provided, multiple submitters, no conflicts (2 of 4 stars). 2 submissions from 2 submitters: Uncertain significance (2). Last evaluated 2025-11-26.

Conditions:
Inborn genetic diseases. Identifiers: MedGen C0950123, MeSH D030342.
Short-rib thoracic dysplasia 11 with or without polydactyly (SRTD11). Also called: SHORT-RIB THORACIC DYSPLASIA 11 WITHOUT POLYDACTYLY. Identifiers: Orphanet 474, Orphanet 93271, MedGen C3810200, MONDO:0014287, OMIM 615633.

gnomAD v4.1: 20 of 1,613,838 alleles (0.0012%); highest among the groups gnomAD compares: Non-Finnish European, 0.0016%; no homozygotes.

Submissions (2):

Ambry Genetics
Classification: Uncertain significance for Inborn genetic diseases. Last evaluated: 2025-11-26. Review status: criteria provided, single submitter. Criteria: Ambry Variant Classification Scheme 2023. Collection method: clinical testing. Allele origin: germline.

Labcorp Genetics (formerly Invitae), Labcorp
Classification: Uncertain significance for Short-rib thoracic dysplasia 11 with or without polydactyly. Last evaluated: 2024-05-23. Review status: criteria provided, single submitter. Criteria: Invitae Variant Classification Sherloc (09022015). Collection method: clinical testing. Allele origin: germline.
Comment: This sequence change replaces proline, which is neutral and non-polar, with alanine, which is neutral and non-polar, at codon 99 of the WDR34 protein (p.Pro99Ala). This variant is present in population databases (rs754573882, gnomAD 0.002%). This variant has not been reported in the literature in individuals affected with WDR34-related conditions. ClinVar contains an entry for this variant (Variation ID: 2187731). An algorithm developed to predict the effect of missense changes on protein structure and function (PolyPhen-2) suggests that this variant¬†is likely to be tolerated. In summary, the available evidence is currently insufficient to determine the role of this variant in disease. Therefore, it has been classified as a Variant of Uncertain Significance.

NM_052844.4(DYNC2I2):c.295C>G (p.Pro99Ala)

Gene: DYNC2I2 (dynein 2 intermediate chain 2; minus strand). Cytogenetic location: 9q34.11.
Variant type: single nucleotide variant.
Coding change: c.295C>G on transcript NM_052844.4 (MANE Select); coding-DNA position 295, C replaced by G.
Protein change: p.Pro99Ala; replaces proline 99 with alanine.
Molecular consequence: missense variant.
Genome position (GRCh38, 1-based): chr9:128,640,831, G>C on the plus strand (C>G on the coding strand, the complement: DYNC2I2 is on the minus strand). VCF-style: chr9-128640831-G-C. GRCh37 (hg19) VCF-style: chr9-131403110-G-C.
Other names: c.295C>G (NM_052844.3); short protein forms P99A.
Identifiers: ClinVar variation 2187731 (VCV002187731.4), dbSNP rs754573882, ClinGen allele CA5266671.